The following is an entry in ClinVar:

NM_003239.5(TGFB3):c.428G>A (p.Arg143Lys)

Gene: TGFB3 (transforming growth factor beta 3; minus strand). Cytogenetic location: 14q24.3.
Variant type: single nucleotide variant.
Coding change: c.428G>A on transcript NM_003239.5 (MANE Select); coding-DNA position 428, G replaced by A.
Protein change: p.Arg143Lys; replaces arginine 143 with lysine.
Molecular consequence: missense variant.
Genome position (GRCh38, 1-based): chr14:75,971,643, C>T on the plus strand (G>A on the coding strand, the complement: TGFB3 is on the minus strand). VCF-style: chr14-75971643-C-T. GRCh37 (hg19) VCF-style: chr14-76437986-C-T.
Other names: c.428G>A, p.Arg143Lys (NM_001329938.2, NM_001329939.2); short protein forms R143K.
Identifiers: ClinVar variation 1037475 (VCV001037475.9), dbSNP rs532403511, ClinGen allele CA7280449.

ClinVar aggregate classification (germline): Uncertain significance (1 of 4 stars; one submission).

Conditions:
Rienhoff syndrome. Also called: LOEYS-DIETZ SYNDROME 5. Identifiers: MedGen C3810012, MONDO:0014262, OMIM 615582.

Allele frequency attached by ClinVar (database versions not stated): ExAC 0.00001; gnomAD 0.00001; 1000 Genomes Project 0.00020; 1000 Genomes Project 30x 0.00031.
gnomAD v4.1: 1 of 1,614,256 alleles (0.000062%); highest among the groups gnomAD compares: Admixed American, 0.0017%; no homozygotes.

Submission:

Labcorp Genetics (formerly Invitae), Labcorp
Classification: Uncertain significance for Rienhoff syndrome. Last evaluated: 2020-08-07. Review status: criteria provided, single submitter. Criteria: Invitae Variant Classification Sherloc (09022015). Collection method: clinical testing. Allele origin: germline.
Comment: In summary, the available evidence is currently insufficient to determine the role of this variant in disease. Therefore, it has been classified as a Variant of Uncertain Significance. Algorithms developed to predict the effect of missense changes on protein structure and function (SIFT, PolyPhen-2, Align-GVGD) all suggest that this variant is likely to be tolerated, but these predictions have not been confirmed by published functional studies and their clinical significance is uncertain. This variant has not been reported in the literature in individuals with TGFB3-related conditions. This variant is present in population databases (rs532403511, ExAC 0.009%). This sequence change replaces arginine with lysine at codon 143 of the TGFB3 protein (p.Arg143Lys). The arginine residue is weakly conserved and there is a small physicochemical difference between arginine and lysine.